The following is an entry in ClinVar:

ClinVar aggregate classification (germline): Uncertain significance (1 of 4 stars; one submission).

Conditions:
Hereditary cancer-predisposing syndrome. Also called: Neoplastic Syndromes, Hereditary; Tumor predisposition; Hereditary neoplastic syndrome; Hereditary Cancer Syndrome. Identifiers: Orphanet 140162, MedGen C0027672, MeSH D009386, MONDO:0015356.

Submission:

Ambry Genetics
Classification: Uncertain significance for Hereditary cancer-predisposing syndrome. Last evaluated: 2026-07-06. Review status: criteria provided, single submitter. Criteria: Ambry Variant Classification Scheme 2023. Collection method: clinical testing. Allele origin: germline.
Comment: The p.T22P variant (also known as c.64A>C), located in coding exon 1 of the KIT gene, results from an A to C substitution at nucleotide position 64. The threonine at codon 22 is replaced by proline, an amino acid with highly similar properties. This amino acid position is conserved. In addition, this alteration is predicted to be tolerated by in silico analysis. Based on the available evidence, the clinical significance of this variant remains unclear.

NM_000222.3(KIT):c.64A>C (p.Thr22Pro)

Gene: KIT (KIT proto-oncogene, receptor tyrosine kinase; plus strand). Cytogenetic location: 4q12.
Variant type: single nucleotide variant.
Coding change: c.64A>C on transcript NM_000222.3 (MANE Select); coding-DNA position 64, A replaced by C.
Protein change: p.Thr22Pro; replaces threonine 22 with proline.
Molecular consequence: missense variant.
Genome position (GRCh38, 1-based): chr4:54,658,078, A>C. VCF-style: chr4-54658078-A-C. GRCh37 (hg19) VCF-style: chr4-55524245-A-C.
Other names: c.64A>C, p.Thr22Pro (NM_001385290.1, NM_001385292.1, NM_001093772.2 and 4 more transcripts); short protein forms T22P.
Identifiers: ClinVar variation 5023309 (VCV005023309.1).